The following is an entry in ClinVar:

ClinVar aggregate classification (germline): Uncertain significance. Review status: criteria provided, multiple submitters, no conflicts (2 of 4 stars). 3 submissions from 3 submitters: Uncertain significance (3). Last evaluated 2021-09-05.

Conditions:
Wilson disease (WND). Also called: Wilson's disease. Identifiers: Orphanet 905, MedGen C0019202, MONDO:0010200, OMIM 277900. Disease mechanism: loss of function.

Allele frequency attached by ClinVar (database versions not stated): gnomAD exomes below 0.00001.

Submissions (3):

Genome-Nilou Lab
Classification: Uncertain significance for Wilson disease. Last evaluated: 2021-09-05. Review status: criteria provided, single submitter. Criteria: ACMG Guidelines, 2015. Collection method: clinical testing. Allele origin: germline. Affected: no.

Mayo Clinic Laboratories, Mayo Clinic
Classification: Uncertain significance. Last evaluated: 2020-12-17. Review status: criteria provided, single submitter. Criteria: ACMG Guidelines, 2015. Collection method: clinical testing. Allele origin: germline. Observed: 1 variant allele.

Women's Health and Genetics/Laboratory Corporation of America, LabCorp
Classification: Uncertain significance. Last evaluated: 2017-08-22. Review status: criteria provided, single submitter. Criteria: LabCorp Variant Classification Summary - May 2015. Collection method: clinical testing. Allele origin: germline.
Comment: Variant summary: The ATP7B c.3215G>A (p.Gly1072Asp) variant involves the alteration of a conserved nucleotide and is located at P-type ATPase, cytoplasmic domain N of the protein (InterPro). 5/5 in silico tools predict damaging outcome for this variant. This variant is absent in 119984 control chromosomes from ExAC. To our knowledge, this variant has not been reported in affected individuals via publications and/or reputable databases/clinical diagnostic laboratories, nor it been evaluated for functional impact by in vivo/vitro studies. Because of the absence of clinical information and the lack of functional studies, the variant is classified as a variant of uncertain significance (VUS) until additional information becomes available.

NM_000053.4(ATP7B):c.3215G>A (p.Gly1072Asp)

Gene: ATP7B (ATPase copper transporting beta; minus strand). Cytogenetic location: 13q14.3.
Variant type: single nucleotide variant.
Coding change: c.3215G>A on transcript NM_000053.4 (MANE Select); coding-DNA position 3215, G replaced by A.
Protein change: p.Gly1072Asp; replaces glycine 1072 with aspartic acid.
Molecular consequence: missense variant.
Genome position (GRCh38, 1-based): chr13:51,944,137, C>T on the plus strand (G>A on the coding strand, the complement: ATP7B is on the minus strand). VCF-style: chr13-51944137-C-T. GRCh37 (hg19) VCF-style: chr13-52518273-C-T.
Other names: c.2594G>A, p.Gly865Asp (NM_001005918.3); c.2882G>A, p.Gly961Asp (NM_001243182.2); c.2981G>A, p.Gly994Asp (NM_001330578.2); c.2963G>A, p.Gly988Asp (NM_001330579.2); short protein forms G1072D, G865D, G961D, G988D, G994D.
Identifiers: ClinVar variation 495411 (VCV000495411.8), dbSNP rs1397311718, ClinGen allele CA388029839.